The following is an entry in ClinVar:

ClinVar aggregate classification (germline): Conflicting classifications of pathogenicity. Review status: criteria provided, conflicting classifications (1 of 4 stars). 10 submissions from 10 submitters: Uncertain significance (9); Likely benign (1). Last evaluated 2026-06-01.

Conditions:
Inborn genetic diseases. Identifiers: MedGen C0950123, MeSH D030342.
Congenital sensory neuropathy with selective loss of small myelinated fibers (HSAN5). Also called: HSAN Type V. Identifiers: Orphanet 64752, MedGen C0020075, MONDO:0012092, OMIM 608654.

Allele frequency attached by ClinVar (database versions not stated): TOPMed 0.00026; ExAC 0.00027; gnomAD exomes 0.00027 and 0.00038; gnomAD 0.00028 and 0.00029; ESP Exome Variant Server 0.00046.

Submissions (10):

CeGaT Center for Human Genetics Tuebingen
Classification: Likely benign. Last evaluated: 2026-06-01. Review status: criteria provided, single submitter. Criteria: CeGaT Center For Human Genetics Tuebingen Variant Classification Criteria Version 2. Collection method: clinical testing. Allele origin: germline. Affected: yes. Observed: 3 variant alleles.
Comment: NGF: BP4

Labcorp Genetics (formerly Invitae), Labcorp
Classification: Uncertain significance for Congenital sensory neuropathy with selective loss of small myelinated fibers. Last evaluated: 2026-01-17. Review status: criteria provided, single submitter. Criteria: Invitae Variant Classification Sherloc (09022015). Collection method: clinical testing. Allele origin: germline.
Comment: This sequence change replaces arginine, which is basic and polar, with cysteine, which is neutral and slightly polar, at codon 83 of the NGF protein (p.Arg83Cys). This variant is present in population databases (rs138175552, gnomAD 0.06%). This variant has not been reported in the literature in individuals affected with NGF-related conditions. ClinVar contains an entry for this variant (Variation ID: 245650). Invitae Evidence Modeling of protein sequence and biophysical properties (such as structural, functional, and spatial information, amino acid conservation, physicochemical variation, residue mobility, and thermodynamic stability) indicates that this missense variant is not expected to disrupt NGF protein function with a negative predictive value of 80%. In summary, the available evidence is currently insufficient to determine the role of this variant in disease. Therefore, it has been classified as a Variant of Uncertain Significance.

Blueprint Genetics
Classification: Uncertain significance. Last evaluated: 2024-10-30. Review status: criteria provided, single submitter. Criteria: ACMG Guidelines, 2015. Collection method: clinical testing. Allele origin: germline.

GeneDx
Classification: Uncertain significance. Last evaluated: 2024-10-25. Review status: criteria provided, single submitter. Criteria: GeneDx Variant Classification Process June 2021. Collection method: clinical testing. Allele origin: germline. Affected: yes.
Comment: In silico analysis supports that this missense variant has a deleterious effect on protein structure/function; Has not been previously published as pathogenic or benign to our knowledge

ARUP Laboratories, Molecular Genetics and Genomics, ARUP Laboratories
Classification: Uncertain significance for Congenital sensory neuropathy with selective loss of small myelinated fibers. Last evaluated: 2024-01-02. Review status: criteria provided, single submitter. Criteria: ARUP Molecular Germline Variant Investigation Process 2024. Collection method: clinical testing. Allele origin: germline.
Comment: The NGF c.247C>T; p.Arg83Cys variant (rs138175552), to our knowledge, is not reported in the medical literature but is reported in ClinVar (Variation ID: 245650). This variant is found in the general population with an overall allele frequency of 0.03% (84/282602 alleles) in the Genome Aggregation Database (v2.1.1). Computational analyses are uncertain whether this variant is neutral or deleterious (REVEL: 0.286). Due to limited information, the clinical significance of the p.Arg83Cys variant is uncertain at this time.

Ambry Genetics
Classification: Uncertain significance for Inborn genetic diseases. Last evaluated: 2023-11-15. Review status: criteria provided, single submitter. Criteria: Ambry Variant Classification Scheme 2023. Collection method: clinical testing. Allele origin: germline.

Genome-Nilou Lab
Classification: Uncertain significance for Congenital sensory neuropathy with selective loss of small myelinated fibers. Last evaluated: 2023-04-11. Review status: criteria provided, single submitter. Criteria: ACMG Guidelines, 2015. Collection method: clinical testing. Allele origin: germline. Affected: no.

Mayo Clinic Laboratories, Mayo Clinic
Classification: Uncertain significance. Last evaluated: 2022-10-13. Review status: criteria provided, single submitter. Criteria: ACMG Guidelines, 2015. Collection method: clinical testing. Allele origin: germline. Observed: 2 variant alleles.

Fulgent Genetics
Classification: Uncertain significance for Congenital sensory neuropathy with selective loss of small myelinated fibers. Last evaluated: 2018-10-31. Review status: criteria provided, single submitter. Criteria: ACMG Guidelines, 2015. Collection method: clinical testing. Allele origin: unknown.

Illumina Laboratory Services, Illumina
Classification: Uncertain significance for Congenital sensory neuropathy with selective loss of small myelinated fibers. Last evaluated: 2018-01-13. Review status: criteria provided, single submitter. Criteria: ICSL Variant Classification Criteria 13 December 2019. Collection method: clinical testing. Allele origin: germline.

NM_002506.3(NGF):c.247C>T (p.Arg83Cys)

Genes: NGF-AS1 (NGF antisense RNA 1; plus strand), NGF (nerve growth factor; minus strand). Cytogenetic location: 1p13.2.
Variant type: single nucleotide variant.
Coding change: c.247C>T on transcript NM_002506.3 (MANE Select); coding-DNA position 247, C replaced by T.
Protein change: p.Arg83Cys; replaces arginine 83 with cysteine.
Molecular consequence: missense variant.
Genome position (GRCh38, 1-based): chr1:115,286,549, G>A on the plus strand (C>T on the coding strand, the complement: NGF is on the minus strand). VCF-style: chr1-115286549-G-A. GRCh37 (hg19) VCF-style: chr1-115829170-G-A.
Other names: short protein forms R83C.
Identifiers: ClinVar variation 245650 (VCV000245650.44), dbSNP rs138175552, ClinGen allele CA1023013.